The following is an entry in ClinVar:

NM_001283009.2(RTEL1):c.3028A>C (p.Thr1010Pro)

Genes: RTEL1 (regulator of telomere elongation helicase 1; plus strand), RTEL1-TNFRSF6B (RTEL1-TNFRSF6B readthrough (NMD candidate); plus strand). Cytogenetic location: 20q13.33.
Variant type: single nucleotide variant.
Coding change: c.3028A>C on transcript NM_001283009.2 (MANE Select); coding-DNA position 3028, A replaced by C.
Protein change: p.Thr1010Pro; replaces threonine 1010 with proline.
Molecular consequence: missense variant. On other transcripts: non-coding transcript variant (1).
Genome position (GRCh38, 1-based): chr20:63,694,407, A>C. VCF-style: chr20-63694407-A-C. GRCh37 (hg19) VCF-style: chr20-62325760-A-C.
Other names: c.2359A>C, p.Thr787Pro (NM_001283010.1); c.3028A>C, p.Thr1010Pro (NM_016434.4); c.3100A>C, p.Thr1034Pro (NM_032957.5); short protein forms T1010P, T1034P, T787P.
Identifiers: ClinVar variation 1425724 (VCV001425724.7), dbSNP rs2145470968, ClinGen allele CA409684441.

ClinVar aggregate classification (germline): Uncertain significance. Review status: criteria provided, multiple submitters, no conflicts (2 of 4 stars). 2 submissions from 2 submitters: Uncertain significance (2). Last evaluated 2025-09-26.

Conditions:
Dyskeratosis congenita, autosomal recessive 5 (DKCB5). Identifiers: MedGen C3554656, MONDO:0014076, OMIM 615190.
Pulmonary fibrosis and/or bone marrow failure, Telomere-related, 3. Also called: PULMONARY FIBROSIS AND/OR BONE MARROW FAILURE SYNDROME, TELOMERE-RELATED, 3. Identifiers: Orphanet 2032, MedGen C4225346, MONDO:0014613, OMIM 616373.
Inborn genetic diseases. Identifiers: MedGen C0950123, MeSH D030342.

Allele frequency attached by ClinVar (database versions not stated): gnomAD exomes below 0.00001.
gnomAD v4.1: 1 of 1,611,676 alleles (0.000062%); highest among the groups gnomAD compares: Non-Finnish European, 0.000085%; no homozygotes.

Submissions (2):

Ambry Genetics
Classification: Uncertain significance for Inborn genetic diseases. Last evaluated: 2025-09-26. Review status: criteria provided, single submitter. Criteria: Ambry Variant Classification Scheme 2023. Collection method: clinical testing. Allele origin: germline.
Comment: The p.T1010P variant (also known as c.3028A>C), located in coding exon 30 of the RTEL1 gene, results from an A to C substitution at nucleotide position 3028. The threonine at codon 1010 is replaced by proline, an amino acid with highly similar properties. This amino acid position is conserved. In addition, this alteration is predicted to be tolerated by in silico analysis. Based on the available evidence, the clinical significance of this variant remains unclear.

Labcorp Genetics (formerly Invitae), Labcorp
Classification: Uncertain significance for Dyskeratosis congenita, autosomal recessive 5; Pulmonary fibrosis and/or bone marrow failure, Telomere-related, 3. Last evaluated: 2022-07-26. Review status: criteria provided, single submitter. Criteria: Invitae Variant Classification Sherloc (09022015). Collection method: clinical testing. Allele origin: germline.
Comment: In summary, the available evidence is currently insufficient to determine the role of this variant in disease. Therefore, it has been classified as a Variant of Uncertain Significance. Algorithms developed to predict the effect of missense changes on protein structure and function (SIFT, PolyPhen-2, Align-GVGD) all suggest that this variant is likely to be tolerated. ClinVar contains an entry for this variant (Variation ID: 1425724). This variant has not been reported in the literature in individuals affected with RTEL1-related conditions. This variant is not present in population databases (gnomAD no frequency). This sequence change replaces threonine, which is neutral and polar, with proline, which is neutral and non-polar, at codon 1010 of the RTEL1 protein (p.Thr1010Pro).